The following is an entry in ClinVar:

ClinVar aggregate classification (germline): Uncertain significance (1 of 4 stars; one submission).

Allele frequency attached by ClinVar (database versions not stated): gnomAD 0.00001.
gnomAD v4.1: 1 of 1,610,140 alleles (0.000062%); highest among the groups gnomAD compares: East Asian, 0.0022%; no homozygotes.

Submission:

Labcorp Genetics (formerly Invitae), Labcorp
Classification: Uncertain significance. Last evaluated: 2025-01-23. Review status: criteria provided, single submitter. Criteria: Invitae Variant Classification Sherloc (09022015). Collection method: clinical testing. Allele origin: germline.
Comment: This sequence change replaces serine, which is neutral and polar, with phenylalanine, which is neutral and non-polar, at codon 74 of the HTRA2 protein (p.Ser74Phe). This variant is present in population databases (rs770408628, gnomAD 0.005%). This variant has not been reported in the literature in individuals affected with HTRA2-related conditions. ClinVar contains an entry for this variant (Variation ID: 3000213). An algorithm developed to predict the effect of missense changes on protein structure and function (PolyPhen-2) suggests that this variant is likely to be disruptive. In summary, the available evidence is currently insufficient to determine the role of this variant in disease. Therefore, it has been classified as a Variant of Uncertain Significance.

NM_013247.5(HTRA2):c.221C>T (p.Ser74Phe)

Gene: HTRA2 (HtrA serine peptidase 2; plus strand). Cytogenetic location: 2p13.1.
Variant type: single nucleotide variant.
Coding change: c.221C>T on transcript NM_013247.5 (MANE Select); coding-DNA position 221, C replaced by T.
Protein change: p.Ser74Phe; replaces serine 74 with phenylalanine.
Molecular consequence: missense variant. On other transcripts: non-coding transcript variant (1).
Genome position (GRCh38, 1-based): chr2:74,530,227, C>T. VCF-style: chr2-74530227-C-T. GRCh37 (hg19) VCF-style: chr2-74757354-C-T.
Other names: c.221C>T, p.Ser74Phe (NM_001321727.1, NM_001321728.1, NM_145074.2); short protein forms S74F.
Identifiers: ClinVar variation 3000213 (VCV003000213.3), dbSNP rs770408628, ClinGen allele CA1728303.